The following is an entry in ClinVar:

NM_001458.5(FLNC):c.7609G>A (p.Ala2537Thr)

Genes: FLNC (filamin C; plus strand), FLNC-AS1 (FLNC antisense RNA 1; minus strand). Cytogenetic location: 7q32.1.
Variant type: single nucleotide variant.
Coding change: c.7609G>A on transcript NM_001458.5 (MANE Select); coding-DNA position 7609, G replaced by A.
Protein change: p.Ala2537Thr; replaces alanine 2537 with threonine.
Molecular consequence: missense variant.
Genome position (GRCh38, 1-based): chr7:128,857,165, G>A. VCF-style: chr7-128857165-G-A. GRCh37 (hg19) VCF-style: chr7-128497219-G-A.
Other names: c.7510G>A, p.Ala2504Thr (NM_001127487.2); short protein forms A2504T, A2537T.
Identifiers: ClinVar variation 1260915 (VCV001260915.28), dbSNP rs201486752, ClinGen allele CA4476326.

ClinVar aggregate classification (germline): Conflicting classifications of pathogenicity. Review status: criteria provided, conflicting classifications (1 of 4 stars). 10 submissions from 10 submitters: Uncertain significance (2); Benign (3); Likely benign (3). 2 of the submissions do not count toward it. Last evaluated 2025-12-04.

Conditions:
Distal myopathy with posterior leg and anterior hand involvement. Also called: WILLIAMS DISTAL MYOPATHY. Identifiers: Orphanet 63273, MedGen C3279722, MONDO:0013550, OMIM 614065.
Hypertrophic cardiomyopathy 26. Also called: Cardiomyopathy, familial hypertrophic, 26. Identifiers: Orphanet 75249, MedGen C4310749, MONDO:0014883, OMIM 617047.
Myofibrillar myopathy 5. Also called: Filaminopathy (type); FILAMINOPATHY, AUTOSOMAL DOMINANT. Identifiers: Orphanet 171445, MedGen C1836050, MONDO:0012289, OMIM 609524.
Cardiovascular phenotype. Identifiers: MedGen CN230736.
Primary dilated cardiomyopathy (DCM). Also called: Dilated Cardiomyopathy. Identifiers: Orphanet 217604, MedGen C0007193, MeSH D002311, MONDO:0005021, HP:0001644. Inheritance: Various modes of inheritance.

Allele frequency attached by ClinVar (database versions not stated): gnomAD 0.00004; ESP Exome Variant Server 0.00197; ExAC 0.00385.

Submissions (10):

Labcorp Genetics (formerly Invitae), Labcorp
Classification: Uncertain significance for Distal myopathy with posterior leg and anterior hand involvement; Myofibrillar myopathy 5; Hypertrophic cardiomyopathy 26. Last evaluated: 2025-12-04. Review status: criteria provided, single submitter. Criteria: Invitae Variant Classification Sherloc (09022015). Collection method: clinical testing. Allele origin: germline.
Comment: This sequence change replaces alanine, which is neutral and non-polar, with threonine, which is neutral and polar, at codon 2537 of the FLNC protein (p.Ala2537Thr). The frequency data for this variant in the population databases is considered unreliable, as metrics indicate poor data quality at this position in the gnomAD database. This variant has not been reported in the literature in individuals affected with FLNC-related conditions. ClinVar contains an entry for this variant (Variation ID: 1260915). Invitae Evidence Modeling of protein sequence and biophysical properties (such as structural, functional, and spatial information, amino acid conservation, physicochemical variation, residue mobility, and thermodynamic stability) indicates that this missense variant is not expected to disrupt FLNC protein function with a negative predictive value of 95%. In summary, the available evidence is currently insufficient to determine the role of this variant in disease. Therefore, it has been classified as a Variant of Uncertain Significance.

Ambry Genetics
Classification: Likely benign for Cardiovascular phenotype. Last evaluated: 2025-03-26. Review status: criteria provided, single submitter. Criteria: Ambry Variant Classification Scheme 2023. Collection method: clinical testing. Allele origin: germline.

Blueprint Genetics
Classification: Likely benign. Last evaluated: 2024-11-27. Review status: criteria provided, single submitter. Criteria: ACMG Guidelines, 2015. Collection method: clinical testing. Allele origin: germline.

CeGaT Center for Human Genetics Tuebingen
Classification: Likely benign. Last evaluated: 2024-08-01. Review status: criteria provided, single submitter. Criteria: CeGaT Center For Human Genetics Tuebingen Variant Classification Criteria Version 2. Collection method: clinical testing. Allele origin: germline. Affected: yes. Observed: 1 variant allele.
Comment: FLNC: BS1

Revvity Omics, Revvity
Classification: Benign. Last evaluated: 2024-02-19. Review status: criteria provided, single submitter. Criteria: ACMG Guidelines, 2015. Collection method: clinical testing. Allele origin: germline.

Department of Pathology and Laboratory Medicine, Sinai Health System
Classification: Uncertain significance for dilated cardiomyopathy. Last evaluated: 2021-06-08. Review status: criteria provided, single submitter. Criteria: ACMG Guidelines, 2015. Collection method: research. Allele origin: germline.

GeneDx
Classification: Benign. Last evaluated: 2019-11-26. Review status: criteria provided, single submitter. Criteria: GeneDx Variant Classification Process June 2021. Collection method: clinical testing. Allele origin: germline. Affected: yes.

Breakthrough Genomics
Classification: Benign. Review status: criteria provided, single submitter. Criteria: ACMG Guidelines, 2015. Collection method: not provided. Allele origin: germline. Inheritance: Autosomal dominant inheritance. Affected: yes.

Genome Diagnostics Laboratory, University Medical Center Utrecht
Classification: Likely benign. Review status: no assertion criteria provided. Collection method: clinical testing. Allele origin: germline. Affected: yes. Study: VKGL Data-share Consensus. Not counted in ClinVar's aggregate classification.

Joint Genome Diagnostic Labs from Nijmegen and Maastricht, Radboudumc and MUMC+
Classification: Benign. Review status: no assertion criteria provided. Collection method: clinical testing. Allele origin: germline. Affected: yes. Study: VKGL Data-share Consensus. Not counted in ClinVar's aggregate classification.